The following is an entry in ClinVar:

NM_182760.4(SUMF1):c.150C>A (p.Cys50Ter)

Genes: SUMF1 (sulfatase modifying factor 1; minus strand), LOC129936056 (ATAC-STARR-seq lymphoblastoid silent region 14016; plus strand). Cytogenetic location: 3p26.1.
Variant type: single nucleotide variant.
Coding change: c.150C>A on transcript NM_182760.4 (MANE Select); coding-DNA position 150, C replaced by A.
Protein change: p.Cys50Ter; replaces cysteine 50 with a stop codon.
Molecular consequence: nonsense.
Genome position (GRCh38, 1-based): chr3:4,467,096, G>T on the plus strand (C>A on the coding strand, the complement: SUMF1 is on the minus strand). VCF-style: chr3-4467096-G-T. GRCh37 (hg19) VCF-style: chr3-4508780-G-T.
Other names: c.150C>A, p.Cys50Ter (NM_001164674.2, NM_001164675.2); short protein forms C50*.
Identifiers: ClinVar variation 1454207 (VCV001454207.5), dbSNP rs761237429, ClinGen allele CA351794309.
Genomic context (GRCh38, chr3:4,467,096, plus strand): 5'-GTATCGGTGAGCGGCTGCCGAACTGCCATGGGCGCCAGGCCGCTGGGGCGTGCCGCAGCC[G>T]CAAGAACCCGCAAGGGACCCCGCGCCCGCACCGGTCCCGGCCTCCTGGCTCCCTGCCGCT-3'

ClinVar aggregate classification (germline): Pathogenic (1 of 4 stars; one submission).

Conditions:
Multiple sulfatase deficiency (MSD). Also called: Mucosulfatidosis; Multiple Sulfatase Deficiency Disease; Sulfatidosis, Juvenile, Austin Type. Identifiers: Orphanet 585, MedGen C0268263, MONDO:0010088, OMIM 272200.

gnomAD v4.1: 3 of 1,560,734 alleles (0.00019%); highest among the groups gnomAD compares: South Asian, 0.0012%; no homozygotes.

Submission:

Labcorp Genetics (formerly Invitae), Labcorp
Classification: Pathogenic for Multiple sulfatase deficiency. Last evaluated: 2021-03-23. Review status: criteria provided, single submitter. Criteria: Invitae Variant Classification Sherloc (09022015). Collection method: clinical testing. Allele origin: germline.
Comment: For these reasons, this variant has been classified as Pathogenic. This variant has not been reported in the literature in individuals with SUMF1-related conditions. The frequency data for this variant in the population databases is considered unreliable, as metrics indicate insufficient coverage at this position in the ExAC database. This sequence change creates a premature translational stop signal (p.Cys50*) in the SUMF1 gene. It is expected to result in an absent or disrupted protein product. Loss-of-function variants in SUMF1 are known to be pathogenic (PMID: 12757705, 12757706, 25885655).

Literature cited by the submitters: PubMed 12757705; PubMed 12757706; PubMed 25885655.